The following is an entry in ClinVar:

ClinVar aggregate classification (germline): Benign/Likely benign. Review status: criteria provided, multiple submitters, no conflicts (2 of 4 stars). 7 submissions from 7 submitters: Benign (3); Likely benign (3). 1 of the submissions does not count toward it. Last evaluated 2026-01-21.

Conditions:
TAF1-related disorder. Also called: TAF1-related condition.
X-linked dystonia-parkinsonism (DYT3). Also called: DYT-TAF1; TORSION DYSTONIA-PARKINSONISM, FILIPINO TYPE; Lubag. Identifiers: Orphanet 53351, MedGen C1839130, MONDO:0010747, OMIM 314250.
Intellectual developmental disorder, X-linked, syndromic 33. Also called: X-linked intellectual disability-global development delay-facial dysmorphism-sacral caudal remnant syndrome; Intellectual disability, X-linked, syndromic 33. Identifiers: Orphanet 480907, MedGen C4225418, MONDO:0010500, OMIM 300966.

Allele frequency attached by ClinVar (database versions not stated): gnomAD exomes 0.00033 and 0.00060; ExAC 0.00051; gnomAD 0.00033 and 0.00035; TOPMed 0.00045; ESP Exome Variant Server 0.00057.
gnomAD v4.1: 425 of 1,209,132 alleles (0.035%); highest among the groups gnomAD compares: Middle Eastern, 0.57%; 1 homozygote.

Submissions (7):

Labcorp Genetics (formerly Invitae), Labcorp
Classification: Benign. Last evaluated: 2026-01-21. Review status: criteria provided, single submitter. Criteria: Invitae Variant Classification Sherloc (09022015). Collection method: clinical testing. Allele origin: germline.

Mayo Clinic Laboratories, Mayo Clinic
Classification: Benign. Last evaluated: 2025-08-13. Review status: criteria provided, single submitter. Criteria: ACMG Guidelines, 2015. Collection method: clinical testing. Allele origin: germline. Observed: 1 variant allele.
Comment: BA1, BP4, BP7

Blueprint Genetics
Classification: Likely benign. Last evaluated: 2024-11-21. Review status: criteria provided, single submitter. Criteria: ACMG Guidelines, 2015. Collection method: clinical testing. Allele origin: germline.

CeGaT Center for Human Genetics Tuebingen
Classification: Likely benign. Last evaluated: 2023-09-01. Review status: criteria provided, single submitter. Criteria: CeGaT Center For Human Genetics Tuebingen Variant Classification Criteria Version 2. Collection method: clinical testing. Allele origin: germline. Affected: yes. Observed: 5 variant alleles.
Comment: TAF1: BP4, BP7, BS2

Fulgent Genetics
Classification: Likely benign for Intellectual developmental disorder, X-linked, syndromic 33; X-linked dystonia-parkinsonism. Last evaluated: 2021-10-01. Review status: criteria provided, single submitter. Criteria: ACMG Guidelines, 2015. Collection method: clinical testing. Allele origin: unknown.

Breakthrough Genomics
Classification: Benign. Review status: criteria provided, single submitter. Criteria: ACMG Guidelines, 2015. Collection method: not provided. Allele origin: germline. Inheritance: X-linked inheritance. Affected: yes.

PreventionGenetics, part of Exact Sciences
Classification: Likely benign for TAF1-related condition. Last evaluated: 2022-09-22. Review status: no assertion criteria provided. Collection method: clinical testing. Allele origin: germline. Not counted in ClinVar's aggregate classification.
Comment: This variant is classified as likely benign based on ACMG/AMP sequence variant interpretation guidelines (Richards et al. 2015 PMID: 25741868, with internal and published modifications).

NM_004606.5(TAF1):c.4698G>A (p.Arg1566=)

Gene: TAF1 (TATA-box binding protein associated factor 1; plus strand). Cytogenetic location: Xq13.1.
Variant type: single nucleotide variant.
Coding change: c.4698G>A on transcript NM_004606.5 (MANE Select); coding-DNA position 4698, G replaced by A.
Protein change: p.Arg1566=; no amino-acid change (arginine 1566 retained).
Molecular consequence: synonymous variant. On other transcripts: non-coding transcript variant (9).
Genome position (GRCh38, 1-based): chrX:71,424,183, G>A. VCF-style: chrX-71424183-G-A. GRCh37 (hg19) VCF-style: chrX-70644033-G-A.
Other names: p.Arg1586=; c.4698G>A, p.Arg1566= (NM_001286074.2); c.4635G>A, p.Arg1545= (NM_138923.4); c.4758G>A (NM_001286074.1).
Identifiers: ClinVar variation 695775 (VCV000695775.38), dbSNP rs148007434, ClinGen allele CA10447224.